The following is an entry in ClinVar:

NM_002184.4(IL6ST):c.1841-5_1841-4dup

Gene: IL6ST (interleukin 6 cytokine family signal transducer; minus strand). Cytogenetic location: 5q11.2.
Variant type: Duplication.
Coding change: c.1841-5_1841-4dup on transcript NM_002184.4 (MANE Select); 5 bases into the intron before coding-DNA position 1841 through 4 bases into the intron before coding-DNA position 1841, 2 bases duplicated (TT; older notation c.1841-5_1841-4dupTT).
Molecular consequence: intron variant.
Genome position (GRCh38, 1-based): chr5:55,947,593-55,947,594, AA duplicated on the plus strand (TT on the coding strand, the reverse complement: IL6ST is on the minus strand); duplicating any 2 consecutive bases within chr5:55,947,593-55,947,617 gives the same sequence; the c. name uses the placement nearest the transcript's 3' end. VCF-style (leftmost placement, unchanged base first): chr5-55947592-T-TAA. GRCh37 (hg19) VCF-style: chr5-55243420-T-TAA.
Other names: c.1631-5_1631-4dup (NM_001364276.2); c.845-5_845-4dup (NM_001364279.2); c.938-5_938-4dup (NM_001364278.2); c.974-5_974-4dup (NM_001364277.2); c.*768-5_*768-4dup (NM_175767.3); c.1658-5_1658-4dup (NM_001190981.2); c.1739-5_1739-4dup (NM_001364275.2).
Identifiers: ClinVar variation 3042113 (VCV003042113.3), dbSNP rs71602925, ClinGen allele CA119071283.
Genomic context (GRCh38, chr5:55,947,592, plus strand): 5'-GTTGTCAATAGGAATGCTAAGCAAACAGGCACGACTATGGCTTCAATTTCTCCTTGAGCT[T>TAA]AAAAAAAAAAAAAAAAAAAAAAAAAGAGGTGTGATGGGAAATAATGTTGACATATGAACT-3'

ClinVar aggregate classification (germline): Likely benign. Review status: criteria provided, single submitter (1 of 4 stars). 2 submissions from 2 submitters: Likely benign (1). 1 of the submissions does not count toward it. Last evaluated 2024-11-25.

Conditions:
IL6ST-related disorder. Also called: IL6ST-related condition.

Submissions (2):

Blueprint Genetics
Classification: Likely benign. Last evaluated: 2024-11-25. Review status: criteria provided, single submitter. Criteria: ACMG Guidelines, 2015. Collection method: clinical testing. Allele origin: germline.

PreventionGenetics, part of Exact Sciences
Classification: Likely benign for IL6ST-related condition. Last evaluated: 2019-12-10. Review status: no assertion criteria provided. Collection method: clinical testing. Allele origin: germline. Not counted in ClinVar's aggregate classification.
Comment: This variant is classified as likely benign based on ACMG/AMP sequence variant interpretation guidelines (Richards et al. 2015 PMID: 25741868, with internal and published modifications).